The following is an entry in ClinVar:

NM_001211.6(BUB1B):c.59A>T (p.Asp20Val)

Gene: BUB1B (BUB1 mitotic checkpoint serine/threonine kinase B; plus strand). Cytogenetic location: 15q15.1.
Variant type: single nucleotide variant.
Coding change: c.59A>T on transcript NM_001211.6 (MANE Select); coding-DNA position 59, A replaced by T.
Protein change: p.Asp20Val; replaces aspartic acid 20 with valine.
Molecular consequence: missense variant.
Genome position (GRCh38, 1-based): chr15:40,165,076, A>T. VCF-style: chr15-40165076-A-T. GRCh37 (hg19) VCF-style: chr15-40457277-A-T.
Other names: short protein forms D20V.
Identifiers: ClinVar variation 3826057 (VCV003826057.1).
Genomic context (GRCh38, chr15:40,165,076, plus strand): 5'-GTTGGTATGAGATTTACATTTGTTTCCTTCTTCACAGTGAAGCCATGTCCCTGGAGGGAG[A>T]TGAATGGGAACTGAGTAAAGAAAATGTACAACCTTTAAGGCAAGGGCGGATCATGTCCAC-3'
Protein context (NP_001202.5, residues 10-30): ALSEAMSLEG[Asp20Val]EWELSKENVQ

ClinVar aggregate classification (germline): Uncertain significance (1 of 4 stars; one submission).

Conditions:
Inborn genetic diseases. Identifiers: MedGen C0950123, MeSH D030342.

gnomAD v4.1: 1 of 1,613,954 alleles (0.000062%); highest among the groups gnomAD compares: African/African-American, 0.0013%; no homozygotes.

Submission:

Ambry Genetics
Classification: Uncertain significance for Inborn genetic diseases. Last evaluated: 2024-12-14. Review status: criteria provided, single submitter. Criteria: Ambry Variant Classification Scheme 2023. Collection method: clinical testing. Allele origin: germline.
Comment: The p.D20V variant (also known as c.59A>T), located in coding exon 2 of the BUB1B gene, results from an A to T substitution at nucleotide position 59. The aspartic acid at codon 20 is replaced by valine, an amino acid with highly dissimilar properties. This amino acid position is conserved. In addition, the in silico prediction for this alteration is inconclusive. Based on the available evidence, the clinical significance of this variant remains unclear.